The following is an entry in ClinVar:

ClinVar aggregate classification (germline): Uncertain significance (1 of 4 stars; one submission).

Conditions:
Sulfite oxidase deficiency. Also called: Isolated sulfite oxidase deficiency. Identifiers: Orphanet 833, Orphanet 99731, MedGen C0268624, MONDO:0010089, OMIM 272300, HP:0003643.

Allele frequency attached by ClinVar (database versions not stated): gnomAD exomes below 0.00001; TOPMed below 0.00001.
gnomAD v4.1: 1 of 1,614,194 alleles (0.000062%); highest among the groups gnomAD compares: African/African-American, 0.0013%; no homozygotes.

Submission:

Labcorp Genetics (formerly Invitae), Labcorp
Classification: Uncertain significance for Sulfite oxidase deficiency. Last evaluated: 2021-09-01. Review status: criteria provided, single submitter. Criteria: Invitae Variant Classification Sherloc (09022015). Collection method: clinical testing. Allele origin: germline.
Comment: This sequence change replaces proline with arginine at codon 496 of the SUOX protein (p.Pro496Arg). The proline residue is weakly conserved and there is a moderate physicochemical difference between proline and arginine. This variant is not present in population databases (ExAC no frequency). This variant has not been reported in the literature in individuals affected with SUOX-related conditions. Algorithms developed to predict the effect of missense changes on protein structure and function (SIFT, PolyPhen-2, Align-GVGD) all suggest that this variant is likely to be tolerated. In summary, the available evidence is currently insufficient to determine the role of this variant in disease. Therefore, it has been classified as a Variant of Uncertain Significance.

NM_001032386.2(SUOX):c.1487C>G (p.Pro496Arg)

Gene: SUOX (sulfite oxidase; plus strand). Cytogenetic location: 12q13.2.
Variant type: single nucleotide variant.
Coding change: c.1487C>G on transcript NM_001032386.2 (MANE Select); coding-DNA position 1487, C replaced by G.
Protein change: p.Pro496Arg; replaces proline 496 with arginine.
Molecular consequence: missense variant.
Genome position (GRCh38, 1-based): chr12:56,004,876, C>G. VCF-style: chr12-56004876-C-G. GRCh37 (hg19) VCF-style: chr12-56398660-C-G.
Other names: c.1487C>G, p.Pro496Arg (NM_000456.3, NM_001032387.2); short protein forms P496R.
Identifiers: ClinVar variation 1018855 (VCV001018855.7), dbSNP rs1890686979, ClinGen allele CA385297346.